The following is an entry in ClinVar:

NM_004700.4(KCNQ4):c.1624T>C (p.Phe542Leu)

Gene: KCNQ4 (potassium voltage-gated channel subfamily Q member 4; plus strand). Cytogenetic location: 1p34.2.
Variant type: single nucleotide variant.
Coding change: c.1624T>C on transcript NM_004700.4 (MANE Select); coding-DNA position 1624, T replaced by C.
Protein change: p.Phe542Leu; replaces phenylalanine 542 with leucine.
Molecular consequence: missense variant.
Genome position (GRCh38, 1-based): chr1:40,834,977, T>C. VCF-style: chr1-40834977-T-C. GRCh37 (hg19) VCF-style: chr1-41300649-T-C.
Other names: c.1462T>C, p.Phe488Leu (NM_172163.3); short protein forms F488L, F542L.
Identifiers: ClinVar variation 2172019 (VCV002172019.4), dbSNP rs2523944943, ClinGen allele CA339887987.

ClinVar aggregate classification (germline): Uncertain significance (1 of 4 stars; one submission).

Submission:

Labcorp Genetics (formerly Invitae), Labcorp
Classification: Uncertain significance. Last evaluated: 2022-07-29. Review status: criteria provided, single submitter. Criteria: Invitae Variant Classification Sherloc (09022015). Collection method: clinical testing. Allele origin: germline.
Comment: Advanced modeling of protein sequence and biophysical properties (such as structural, functional, and spatial information, amino acid conservation, physicochemical variation, residue mobility, and thermodynamic stability) performed at Invitae indicates that this missense variant is expected to disrupt KCNQ4 protein function. This sequence change replaces phenylalanine, which is neutral and non-polar, with leucine, which is neutral and non-polar, at codon 542 of the KCNQ4 protein (p.Phe542Leu). This variant is not present in population databases (gnomAD no frequency). This variant has not been reported in the literature in individuals affected with KCNQ4-related conditions. In summary, the available evidence is currently insufficient to determine the role of this variant in disease. Therefore, it has been classified as a Variant of Uncertain Significance.